The following is an entry in ClinVar:

ClinVar aggregate classification (germline): Uncertain significance. Review status: criteria provided, multiple submitters, no conflicts (2 of 4 stars). 2 submissions from 2 submitters: Uncertain significance (2). Last evaluated 2025-08-15.

Conditions:
Inborn genetic diseases. Identifiers: MedGen C0950123, MeSH D030342.

Allele frequency attached by ClinVar (database versions not stated): gnomAD exomes 0.00004 and 0.00006; gnomAD 0.00005; TOPMed 0.00005; ExAC 0.00007; ESP Exome Variant Server 0.00008.
gnomAD v4.1: 65 of 1,614,130 alleles (0.004%); highest among the groups gnomAD compares: Non-Finnish European, 0.0047%; no homozygotes.

Submissions (2):

Ambry Genetics
Classification: Uncertain significance for Inborn genetic diseases. Last evaluated: 2025-08-15. Review status: criteria provided, single submitter. Criteria: Ambry Variant Classification Scheme 2023. Collection method: clinical testing. Allele origin: germline.

Labcorp Genetics (formerly Invitae), Labcorp
Classification: Uncertain significance. Last evaluated: 2024-08-13. Review status: criteria provided, single submitter. Criteria: Invitae Variant Classification Sherloc (09022015). Collection method: clinical testing. Allele origin: germline.
Comment: This sequence change replaces alanine with threonine at codon 207 of the ADAMTS18 protein (p.Ala207Thr). The alanine residue is highly conserved and there is a small physicochemical difference between alanine and threonine. This variant is present in population databases (rs368859239, gnomAD 0.01%). This variant has not been reported in the literature in individuals affected with ADAMTS18-related conditions. ClinVar contains an entry for this variant (Variation ID: 1509680). An algorithm developed to predict the effect of missense changes on protein structure and function (PolyPhen-2) suggests that this variant is likely to be tolerated. In summary, the available evidence is currently insufficient to determine the role of this variant in disease. Therefore, it has been classified as a Variant of Uncertain Significance.

NM_199355.4(ADAMTS18):c.619G>A (p.Ala207Thr)

Gene: ADAMTS18 (ADAM metallopeptidase with thrombospondin type 1 motif 18; minus strand). Cytogenetic location: 16q23.1.
Variant type: single nucleotide variant.
Coding change: c.619G>A on transcript NM_199355.4 (MANE Select); coding-DNA position 619, G replaced by A.
Protein change: p.Ala207Thr; replaces alanine 207 with threonine.
Molecular consequence: missense variant. On other transcripts: synonymous variant (1).
Genome position (GRCh38, 1-based): chr16:77,367,600, C>T on the plus strand (G>A on the coding strand, the complement: ADAMTS18 is on the minus strand). VCF-style: chr16-77367600-C-T. GRCh37 (hg19) VCF-style: chr16-77401497-C-T.
Other names: c.99G>A, p.Gln33= (NM_001326358.2); c.619G>A (NM_199355.2); short protein forms A207T.
Identifiers: ClinVar variation 1509680 (VCV001509680.7), dbSNP rs368859239, ClinGen allele CA8181619.
Genomic context (GRCh38, chr16:77,367,600, plus strand): 5'-AACCAGGATAATTCCGGCCAGAGCCGGGGTAGCCACGGTACCGCTGGATCTTCTCCTCTG[C>T]TGTCCTTTTGTACAGTACGTGAGGATGGTGACCCGCAGGGGAGCTGTAGTTGTGTTCCTG-3'
Protein context (NP_955387.1, residues 197-217): HHPHVLYKRT[Ala207Thr]EEKIQRYRGY